The following is an entry in ClinVar:

ClinVar aggregate classification (germline): Pathogenic (1 of 4 stars; one submission).

Conditions:
Hereditary cancer-predisposing syndrome. Also called: Neoplastic Syndromes, Hereditary; Tumor predisposition; Hereditary Cancer Syndrome; Hereditary neoplastic syndrome. Identifiers: Orphanet 140162, MedGen C0027672, MeSH D009386, MONDO:0015356.

Submission:

Ambry Genetics
Classification: Pathogenic for Hereditary cancer-predisposing syndrome. Last evaluated: 2017-05-31. Review status: criteria provided, single submitter. Criteria: Ambry Variant Classification Scheme 2023. Collection method: clinical testing. Allele origin: germline.
Comment: The c.1852delC pathogenic mutation, located in coding exon 17 of the TSC2 gene, results from a deletion of one nucleotide at nucleotide position 1852, causing a translational frameshift with a predicted alternate stop codon (p.L618Cfs*80). This mutation has been described in multiple individuals with tuberous sclerosis complex (Peron A et al. Am. J. Med. Genet. A, 2016 Jun;170:1538-44; Kwiatkowski DJ et al. Eur. J. Hum. Genet., 2015 Dec;23:1665-72). This alteration is expected to result in loss of function by premature protein truncation or nonsense-mediated mRNA decay. As such, this alteration is interpreted as a disease-causing mutation.

Literature cited by the submitters: PubMed 25782670; PubMed 27061015.

NM_000548.5(TSC2):c.1852del (p.Leu618fs)

Gene: TSC2 (TSC complex subunit 2; plus strand). Cytogenetic location: 16p13.3.
Variant type: Deletion.
Coding change: c.1852del on transcript NM_000548.5 (MANE Select); coding-DNA position 1852, one base deleted (C; older notation c.1852delC).
Protein change: p.Leu618fs; shifts the reading frame from leucine 618.
Molecular consequence: frameshift variant.
Genome position (GRCh38, 1-based): chr16:2,071,522, C deleted; the last of 2 consecutive C bases (chr16:2,071,521-2,071,522); deleting either gives the same sequence. VCF-style (leftmost placement, unchanged base first): chr16-2071520-TC-T. GRCh37 (hg19) VCF-style: chr16-2121521-TC-T.
Other names: c.1942delC, p.Leu648Cysfs (NM_001406668.1, NM_001406667.1); c.1705delC, p.Leu569Cysfs (NM_001406675.1, NM_001406676.1, NM_001406679.1); c.1840delC, p.Leu614Cysfs (NM_001406673.1, NM_001406671.1); c.1741delC, p.Leu581Cysfs (NM_001406670.1, NM_001406678.1); c.1852delC, p.Leu618Cysfs (NM_001406663.1, NM_001406664.1, NM_001406665.1); c.1795delC, p.Leu599Cysfs (NM_001406677.1); c.1252delC, p.Leu418Cysfs (NM_001406680.1, NM_001406682.1, NM_001406683.1 and 5 more transcripts); c.1390delC, p.Leu464Cysfs (NM_001406681.1); and 7 more; short protein forms L418fs, L581fs, L629fs, L569fs, L618fs.
Identifiers: ClinVar variation 1781356 (VCV001781356.2), dbSNP rs2543673068, ClinGen allele CA658820850.